The following is an entry in ClinVar:

ClinVar aggregate classification (germline): Uncertain significance (1 of 4 stars; one submission).

Submission:

Labcorp Genetics (formerly Invitae), Labcorp
Classification: Uncertain significance. Last evaluated: 2023-03-30. Review status: criteria provided, single submitter. Criteria: Invitae Variant Classification Sherloc (09022015). Collection method: clinical testing. Allele origin: germline.
Comment: In summary, the available evidence is currently insufficient to determine the role of this variant in disease. Therefore, it has been classified as a Variant of Uncertain Significance. Variants that disrupt the consensus splice site are a relatively common cause of aberrant splicing (PMID: 17576681, 9536098). Algorithms developed to predict the effect of sequence changes on RNA splicing suggest that this variant may create or strengthen a splice site. An algorithm developed to predict the effect of missense changes on protein structure and function (PolyPhen-2) suggests that this variant is likely to be disruptive. This variant has not been reported in the literature in individuals affected with KIAA0556-related conditions. This variant is not present in population databases (gnomAD no frequency). This sequence change replaces alanine, which is neutral and non-polar, with threonine, which is neutral and polar, at codon 1116 of the KIAA0556 protein (p.Ala1116Thr). This variant also falls at the last nucleotide of exon 16, which is part of the consensus splice site for this exon.

Literature cited by the submitters: PubMed 17576681; PubMed 9536098.

NM_015202.5(KATNIP):c.3346G>A (p.Ala1116Thr)

Gene: KATNIP (katanin interacting protein; plus strand). Cytogenetic location: 16p12.1.
Variant type: single nucleotide variant.
Coding change: c.3346G>A on transcript NM_015202.5 (MANE Select); coding-DNA position 3346, G replaced by A.
Protein change: p.Ala1116Thr; replaces alanine 1116 with threonine.
Molecular consequence: missense variant.
Genome position (GRCh38, 1-based): chr16:27,750,306, G>A. VCF-style: chr16-27750306-G-A. GRCh37 (hg19) VCF-style: chr16-27761627-G-A.
Other names: short protein forms A1116T.
Identifiers: ClinVar variation 2851067 (VCV002851067.3), dbSNP rs2543276902, ClinGen allele CA395327156.
Genomic context (GRCh38, chr16:27,750,306, plus strand): 5'-TTAGACACCCAGTGCATCTTTGAAGGAGAAATCGCCAAGGCCTCTGGAACCCTGGCGGGA[G>A]GTATGGCGTGTCTGTAAGAATTTTCTCAGAGCCCCTATCTGTGACTTGCTGAGAGTCTAT-3'
Protein context (NP_056017.4, residues 1106-1126): IAKASGTLAG[Ala1116Thr]PEHFGDTILF